The following is an entry in ClinVar:

NM_001128148.3(TFRC):c.65G>A (p.Arg22Gln)

Gene: TFRC (transferrin receptor; minus strand). Cytogenetic location: 3q29.
Variant type: single nucleotide variant.
Coding change: c.65G>A on transcript NM_001128148.3 (MANE Select); coding-DNA position 65, G replaced by A.
Protein change: p.Arg22Gln; replaces arginine 22 with glutamine.
Molecular consequence: missense variant. On other transcripts: intron variant (2).
Genome position (GRCh38, 1-based): chr3:196,075,332, C>T on the plus strand (G>A on the coding strand, the complement: TFRC is on the minus strand). VCF-style: chr3-196075332-C-T. GRCh37 (hg19) VCF-style: chr3-195802203-C-T.
Other names: c.65G>A, p.Arg22Gln (NM_003234.4); c.-413+1732G>A (NM_001313966.2); c.-5-1207G>A (NM_001313965.2); short protein forms R22Q.
Identifiers: ClinVar variation 2712346 (VCV002712346.3), dbSNP rs576156970, ClinGen allele CA2778407.
Genomic context (GRCh38, chr3:196,075,332, plus strand): 5'-ACAGCAAGTTTCATCTCCACATGACTGTTATCGCCATCTACTTGCCGAGCCAGGCTGAAC[C>T]GGGTATATGACAATGGTTCTCCACCAAACTGTGTTGCGGAAAAAGGCATGATGAAGAACA-3'
Protein context (NP_001121620.1, residues 12-32): LFGGEPLSYT[Arg22Gln]FSLARQVDGD

ClinVar aggregate classification (germline): Uncertain significance (1 of 4 stars; one submission).

Allele frequency attached by ClinVar (database versions not stated): TOPMed 0.00002; ExAC 0.00003; gnomAD 0.00003; 1000 Genomes Project 30x 0.00016; 1000 Genomes Project 0.00020.
gnomAD v4.1: 16 of 1,614,056 alleles (0.00099%); highest among the groups gnomAD compares: African/African-American, 0.0027%; no homozygotes.

Submission:

Labcorp Genetics (formerly Invitae), Labcorp
Classification: Uncertain significance. Last evaluated: 2025-10-23. Review status: criteria provided, single submitter. Criteria: Invitae Variant Classification Sherloc (09022015). Collection method: clinical testing. Allele origin: germline.
Comment: This sequence change replaces arginine, which is basic and polar, with glutamine, which is neutral and polar, at codon 22 of the TFRC protein (p.Arg22Gln). This variant is present in population databases (rs576156970, gnomAD 0.004%). This variant has not been reported in the literature in individuals affected with TFRC-related conditions. ClinVar contains an entry for this variant (Variation ID: 2712346). An algorithm developed to predict the effect of missense changes on protein structure and function (PolyPhen-2) suggests that this variant is likely to be disruptive. In summary, the available evidence is currently insufficient to determine the role of this variant in disease. Therefore, it has been classified as a Variant of Uncertain Significance.